The following is an entry in ClinVar:

ClinVar aggregate classification (germline): Uncertain significance (1 of 4 stars; one submission).

Conditions:
Inborn genetic diseases. Identifiers: MedGen C0950123, MeSH D030342.

gnomAD v4.1: 1 of 1,588,238 alleles (0.000063%); no homozygotes.

Submission:

Ambry Genetics
Classification: Uncertain significance for Inborn genetic diseases. Last evaluated: 2026-02-16. Review status: criteria provided, single submitter. Criteria: Ambry Variant Classification Scheme 2023. Collection method: clinical testing. Allele origin: germline.
Comment: The p.P248T variant (also known as c.742C>A), located in coding exon 3 of the FANCM gene, results from a C to A substitution at nucleotide position 742. The proline at codon 248 is replaced by threonine, an amino acid with highly similar properties. This amino acid position is conserved. In addition, the in silico prediction for this alteration is inconclusive. Based on the available evidence, the clinical significance of this variant remains unclear.

NM_020937.4(FANCM):c.742C>A (p.Pro248Thr)

Gene: FANCM (FA complementation group M; plus strand). Cytogenetic location: 14q21.2.
Variant type: single nucleotide variant.
Coding change: c.742C>A on transcript NM_020937.4 (MANE Select); coding-DNA position 742, C replaced by A.
Protein change: p.Pro248Thr; replaces proline 248 with threonine.
Molecular consequence: missense variant. On other transcripts: intron variant (1).
Genome position (GRCh38, 1-based): chr14:45,140,692, C>A. VCF-style: chr14-45140692-C-A. GRCh37 (hg19) VCF-style: chr14-45609895-C-A.
Other names: c.681+3451C>A (NM_001308133.2); c.742C>A, p.Pro248Thr (NM_001308134.2); short protein forms P248T.
Identifiers: ClinVar variation 4844564 (VCV004844564.1).
Genomic context (GRCh38, chr14:45,140,692, plus strand): 5'-GTTGTAAGAGAACTAGTCAAATATACAAATCACTTTAGAATCTTGGCTCTAAGTGCCACA[C>A]CAGGTAGTGATATAAAGGTAAGTAAAATGTTTTTCCATTTATTACAGTTAAGAAAATAAA-3'
Protein context (NP_065988.1, residues 238-258): HFRILALSAT[Pro248Thr]GSDIKAVQQV